The following is an entry in ClinVar:

NM_000383.4(AIRE):c.1470_1490del (p.Ser491_Pro497del)

Gene: AIRE (autoimmune regulator; plus strand). Cytogenetic location: 21q22.3.
Variant type: Deletion.
Coding change: c.1470_1490del on transcript NM_000383.4 (MANE Select); coding-DNA positions 1470 to 1490, 21 bases deleted (CAGCCCCGCCCGCCTGGCCCC).
Protein change: p.Ser491_Pro497del.
Molecular consequence: inframe deletion.
Genome position (GRCh38, 1-based): chr21:44,294,470-44,294,490, CAGCCCCGCCCGCCTGGCCCC deleted; deleting any 21 consecutive bases within chr21:44,294,462-44,294,490 gives the same sequence; the c. name uses the placement nearest the transcript's 3' end. VCF-style (leftmost placement, unchanged base first): chr21-44294461-GCTGGCCCCCAGCCCCGCCCGC-G. GRCh37 (hg19) VCF-style: chr21-45714344-GCTGGCCCCCAGCCCCGCCCGC-G.
Identifiers: ClinVar variation 2139981 (VCV002139981.1), dbSNP rs767935859, ClinGen allele CA10052140.

ClinVar aggregate classification (germline): Uncertain significance (1 of 4 stars; one submission).

Conditions:
Polyglandular autoimmune syndrome, type 1 (APS1). Also called: PGA I; Autoimmune polyendocrinopathy syndrome, type I; HYPOADRENOCORTICISM WITH HYPOPARATHYROIDISM AND SUPERFICIAL MONILIASIS; AUTOIMMUNE POLYENDOCRINE SYNDROME, TYPE I, WITH OR WITHOUT REVERSIBLE METAPHYSEAL DYSPLASIA; APS I; Whitaker syndrome. Identifiers: Orphanet 3453, MedGen C0085859, MONDO:0009411, OMIM 240300.

Submission:

Labcorp Genetics (formerly Invitae), Labcorp
Classification: Uncertain significance for Polyglandular autoimmune syndrome, type 1. Last evaluated: 2021-12-29. Review status: criteria provided, single submitter. Criteria: Invitae Variant Classification Sherloc (09022015). Collection method: clinical testing. Allele origin: germline.
Comment: This variant, c.1470_1490del, results in the deletion of 7 amino acid(s) of the AIRE protein (p.Ser491_Pro497del), but otherwise preserves the integrity of the reading frame. This variant is present in population databases (rs767935859, gnomAD 0.02%). This variant has not been reported in the literature in individuals affected with AIRE-related conditions. Experimental studies and prediction algorithms are not available or were not evaluated, and the functional significance of this variant is currently unknown. In summary, the available evidence is currently insufficient to determine the role of this variant in disease. Therefore, it has been classified as a Variant of Uncertain Significance.